The following is an entry in ClinVar:

ClinVar aggregate classification (germline): Uncertain significance (1 of 4 stars; one submission).

Conditions:
Multiple endocrine neoplasia, type 2 (MEN2). Identifiers: Orphanet 653, MedGen C4048306, MONDO:0019003. Disease mechanism: gain of function.

Submission:

Labcorp Genetics (formerly Invitae), Labcorp
Classification: Uncertain significance for Multiple endocrine neoplasia, type 2. Last evaluated: 2022-10-30. Review status: criteria provided, single submitter. Criteria: Invitae Variant Classification Sherloc (09022015). Collection method: clinical testing. Allele origin: germline.
Comment: A copy number gain of the genomic region encompassing the full coding sequence of the RET gene has been identified. The boundaries of this event are unknown as they extend beyond the assayed region for this gene and therefore may encompass additional genes. As the precise location of this event is unknown, it may be in tandem or it may be located elsewhere in the genome. This variant has not been reported in the literature in individuals affected with RET-related conditions. In summary, the available evidence is currently insufficient to determine the role of this variant in disease. Therefore, it has been classified as a Variant of Uncertain Significance.

NC_000010.11:g.(?_43077064)_(43128277_?)dup

Gene: RET (ret proto-oncogene; plus strand). Cytogenetic location: 10q11.21.
Variant type: Duplication.
Identifiers: ClinVar variation 832506 (VCV000832506.6).